The following is an entry in ClinVar:

NM_001384474.1(LOXHD1):c.4279dup (p.Ile1427fs)

Gene: LOXHD1 (lipoxygenase homology PLAT domains 1; minus strand). Cytogenetic location: 18q21.1.
Variant type: Duplication.
Coding change: c.4279dup on transcript NM_001384474.1 (MANE Select); coding-DNA position 4279, one base duplicated (A; older notation c.4279dupA).
Protein change: p.Ile1427fs; shifts the reading frame from isoleucine 1427.
Molecular consequence: frameshift variant.
Genome position (GRCh38, 1-based): chr18:46,533,258, T duplicated on the plus strand (A on the coding strand, the reverse complement: LOXHD1 is on the minus strand). VCF-style (leftmost placement, unchanged base first): chr18-46533257-A-AT. GRCh37 (hg19) VCF-style: chr18-44113220-A-AT.
Other names: c.946dup, p.Ile316fs (NM_001145472.3); c.658dup, p.Ile220fs (NM_001308013.2); c.4279dup, p.Ile1427fs (NM_144612.7); short protein forms I1427fs, I220fs, I316fs.
Identifiers: ClinVar variation 4070139 (VCV004070139.2).

ClinVar aggregate classification (germline): Likely pathogenic (1 of 4 stars; one submission).

Conditions:
Autosomal recessive nonsyndromic hearing loss 77. Identifiers: Orphanet 90636, MedGen C2746083, MONDO:0013119, OMIM 613079.

Submission:

Natera, Inc.
Classification: Likely pathogenic for Autosomal recessive deafness type 77. Last evaluated: 2025-01-22. Review status: criteria provided, single submitter. Criteria: Natera Variant Classification Schema (03/2026). Collection method: clinical testing. Allele origin: germline.
Comment: The c.4279dup variant in LOXHD1 is a frameshift variant predicted to shift the reading frame beginning at codon 1427 and leads to a stop codon 8 codons downstream. This variant is expected to result in nonsense mediated decay, truncation, or a dysfunctional protein product. This variant is rare in the general population with a frequency below the threshold expected for the associated phenotype(s). Given the available evidence, this variant is classified as Likely Pathogenic.